The following is an entry in ClinVar:

NM_003047.5(SLC9A1):c.1646+4G>A

Gene: SLC9A1 (solute carrier family 9 member A1; minus strand). Cytogenetic location: 1p36.11.
Variant type: single nucleotide variant.
Coding change: c.1646+4G>A on transcript NM_003047.5 (MANE Select); 4 bases into the intron after coding-DNA position 1646, G replaced by A.
Molecular consequence: intron variant.
Genome position (GRCh38, 1-based): chr1:27,102,669, C>T on the plus strand (G>A on the coding strand, the complement: SLC9A1 is on the minus strand). VCF-style: chr1-27102669-C-T. GRCh37 (hg19) VCF-style: chr1-27429160-C-T.
Identifiers: ClinVar variation 4987579 (VCV004987579.1).

ClinVar aggregate classification (germline): Likely benign (1 of 4 stars; one submission).

Conditions:
SLC9A1-related disorder. Also called: SLC9A1-related condition.

gnomAD v4.1: 29 of 1,613,810 alleles (0.0018%); highest among the groups gnomAD compares: African/African-American, 0.035%; no homozygotes.

Submission:

PreventionGenetics, part of Exact Sciences
Classification: Likely benign for SLC9A1-related condition. Last evaluated: 2026-09-11. Review status: criteria provided, single submitter. Criteria: ACMG Guidelines, 2015. Collection method: clinical testing. Allele origin: germline.
Comment: This variant is classified as likely benign based on ACMG/AMP sequence variant interpretation guidelines (Richards et al. 2015 PMID: 25741868, with internal and published modifications).